The following is an entry in ClinVar:

NM_000286.3(PEX12):c.428A>G (p.Tyr143Cys)

Gene: PEX12 (peroxisomal biogenesis factor 12; minus strand). Cytogenetic location: 17q12.
Variant type: single nucleotide variant.
Coding change: c.428A>G on transcript NM_000286.3 (MANE Select); coding-DNA position 428, A replaced by G.
Protein change: p.Tyr143Cys; replaces tyrosine 143 with cysteine.
Molecular consequence: missense variant.
Genome position (GRCh38, 1-based): chr17:35,577,290, T>C on the plus strand (A>G on the coding strand, the complement: PEX12 is on the minus strand). VCF-style: chr17-35577290-T-C. GRCh37 (hg19) VCF-style: chr17-33904309-T-C.
Other names: short protein forms Y143C.
Identifiers: ClinVar variation 2141057 (VCV002141057.4), dbSNP rs369522860, ClinGen allele CA290069451.

ClinVar aggregate classification (germline): Uncertain significance (1 of 4 stars; one submission).

Conditions:
Peroxisome biogenesis disorder 3A (Zellweger). Also called: PEROXISOMAL BIOGENESIS DISORDER 3A (ZELLWEGER); Peroxisome biogenesis disorder 3A. Identifiers: Orphanet 912, MedGen C3553929, MONDO:0013927, OMIM 614859.

Allele frequency attached by ClinVar (database versions not stated): gnomAD 0.00001; gnomAD exomes 0.00001; ESP Exome Variant Server 0.00008.

Submission:

Labcorp Genetics (formerly Invitae), Labcorp
Classification: Uncertain significance for Peroxisome biogenesis disorder 3A (Zellweger). Last evaluated: 2022-12-02. Review status: criteria provided, single submitter. Criteria: Invitae Variant Classification Sherloc (09022015). Collection method: clinical testing. Allele origin: germline.
Comment: In summary, the available evidence is currently insufficient to determine the role of this variant in disease. Therefore, it has been classified as a Variant of Uncertain Significance. Advanced modeling of protein sequence and biophysical properties (such as structural, functional, and spatial information, amino acid conservation, physicochemical variation, residue mobility, and thermodynamic stability) performed at Invitae indicates that this missense variant is not expected to disrupt PEX12 protein function. This variant has not been reported in the literature in individuals affected with PEX12-related conditions. This variant is present in population databases (rs369522860, gnomAD 0.007%). This sequence change replaces tyrosine, which is neutral and polar, with cysteine, which is neutral and slightly polar, at codon 143 of the PEX12 protein (p.Tyr143Cys).